The following is an entry in ClinVar:

NM_012330.4(KAT6B):c.4298A>G (p.His1433Arg)

Gene: KAT6B (lysine acetyltransferase 6B; plus strand). Cytogenetic location: 10q22.2.
Variant type: single nucleotide variant.
Coding change: c.4298A>G on transcript NM_012330.4 (MANE Select); coding-DNA position 4298, A replaced by G.
Protein change: p.His1433Arg; replaces histidine 1433 with arginine.
Molecular consequence: missense variant.
Genome position (GRCh38, 1-based): chr10:75,029,122, A>G. VCF-style: chr10-75029122-A-G. GRCh37 (hg19) VCF-style: chr10-76788880-A-G.
Other names: c.3749A>G, p.His1250Arg (NM_001256468.2, NM_001370138.1); c.3422A>G, p.His1141Arg (NM_001256469.2, NM_001370139.1, NM_001370140.1 and 2 more transcripts); c.3260A>G, p.His1087Arg (NM_001370132.1); c.2609A>G, p.His870Arg (NM_001370133.1); c.2213A>G, p.His738Arg (NM_001370134.1); c.1955A>G, p.His652Arg (NM_001370135.1); c.4298A>G, p.His1433Arg (NM_001370136.1, NM_001370137.1); c.3233A>G, p.His1078Arg (NM_001370143.1, NM_001370144.1); short protein forms H1433R, H1141R, H1087R, H652R, H1078R, H1250R, H738R, H870R.
Identifiers: ClinVar variation 4738636 (VCV004738636.1).

ClinVar aggregate classification (germline): Uncertain significance (1 of 4 stars; one submission).

Conditions:
Genitopatellar syndrome (GTPTS). Also called: ABSENT PATELLAE, SCROTAL HYPOPLASIA, RENAL ANOMALIES, FACIAL DYSMORPHISM, AND MENTAL RETARDATION; Genitopatellar syndrome (GPS). Identifiers: Orphanet 85201, MedGen C1853566, MONDO:0011640, OMIM 606170.

Submission:

Labcorp Genetics (formerly Invitae), Labcorp
Classification: Uncertain significance for Genitopatellar syndrome. Last evaluated: 2025-03-19. Review status: criteria provided, single submitter. Criteria: Invitae Variant Classification Sherloc (09022015). Collection method: clinical testing. Allele origin: germline.
Comment: This sequence change replaces histidine, which is basic and polar, with arginine, which is basic and polar, at codon 1433 of the KAT6B protein (p.His1433Arg). This variant is not present in population databases (gnomAD no frequency). This variant has not been reported in the literature in individuals affected with KAT6B-related conditions. Invitae Evidence Modeling of protein sequence and biophysical properties (such as structural, functional, and spatial information, amino acid conservation, physicochemical variation, residue mobility, and thermodynamic stability) indicates that this missense variant is not expected to disrupt KAT6B protein function with a negative predictive value of 80%. In summary, the available evidence is currently insufficient to determine the role of this variant in disease. Therefore, it has been classified as a Variant of Uncertain Significance.